The following is an entry in ClinVar:

ClinVar aggregate classification (germline): Uncertain significance (1 of 4 stars; one submission).

Conditions:
Dyskeratosis congenita, autosomal dominant 1 (DKCA1). Also called: Dyskeratosis congenita Scoggins type. Identifiers: Orphanet 1775, MedGen C4551974, MONDO:0007485, OMIM 127550. Inheritance: Variable.

Submission:

Labcorp Genetics (formerly Invitae), Labcorp
Classification: Uncertain significance for Dyskeratosis congenita, autosomal dominant 1. Last evaluated: 2025-02-13. Review status: criteria provided, single submitter. Criteria: Invitae Variant Classification Sherloc (09022015). Collection method: clinical testing. Allele origin: germline.
Comment: This variant occurs in the TERC gene, which encodes an RNA molecule that does not result in a protein product. This variant is not present in population databases (gnomAD no frequency). This variant has not been reported in the literature in individuals affected with TERC-related conditions. This variant is located within the BoxH/ACA scaRNA domain of the TERC RNA component, which is required for telomerase activity (PMID: 21844345). In summary, the available evidence is currently insufficient to determine the role of this variant in disease. Therefore, it has been classified as a Variant of Uncertain Significance.

Literature cited by the submitters: PubMed 21844345.

NR_001566.3(TERC):n.421G>T

Gene: TERC (telomerase RNA component; minus strand). Cytogenetic location: 3q26.2.
Variant type: single nucleotide variant.
Molecular consequence: non-coding transcript variant (on NR_001566.3).
Genome position: GRCh38 VCF-style: chr3-169764640-C-A. GRCh37 (hg19) VCF-style: chr3-169482428-C-A.
Identifiers: ClinVar variation 4713036 (VCV004713036.1).